The following is an entry in ClinVar:

ClinVar aggregate classification (germline): Likely benign. Review status: criteria provided, multiple submitters, no conflicts (2 of 4 stars). 2 submissions from 2 submitters: Likely benign (2). Last evaluated 2025-04-07.

Conditions:
MEGF10-related myopathy (CMYO10A). Also called: Congenital myopathy 10A, severe variant. Identifiers: Orphanet 439212, MedGen C3280679, MONDO:0013731, OMIM 614399.

Allele frequency attached by ClinVar (database versions not stated): ExAC 0.00004; gnomAD exomes 0.00004; TOPMed 0.00008; gnomAD 0.00009.
gnomAD v4.1: 76 of 1,613,936 alleles (0.0047%); highest among the groups gnomAD compares: African/African-American, 0.027%; no homozygotes.

Submissions (2):

Labcorp Genetics (formerly Invitae), Labcorp
Classification: Likely benign for MEGF10-related myopathy. Last evaluated: 2025-04-07. Review status: criteria provided, single submitter. Criteria: Invitae Variant Classification Sherloc (09022015). Collection method: clinical testing. Allele origin: germline.

GeneDx
Classification: Likely benign. Last evaluated: 2018-05-16. Review status: criteria provided, single submitter. Criteria: GeneDx Variant Classification (06012015). Collection method: clinical testing. Allele origin: germline. Affected: yes.
Comment: This variant is considered likely benign or benign based on one or more of the following criteria: it is a conservative change, it occurs at a poorly conserved position in the protein, it is predicted to be benign by multiple in silico algorithms, and/or has population frequency not consistent with disease.

NM_001256545.2(MEGF10):c.2568C>T (p.Ile856=)

Gene: MEGF10 (multiple EGF like domains 10; plus strand). Cytogenetic location: 5q23.2.
Variant type: single nucleotide variant.
Coding change: c.2568C>T on transcript NM_001256545.2 (MANE Select); coding-DNA position 2568, C replaced by T.
Protein change: p.Ile856=; no amino-acid change (isoleucine 856 retained).
Molecular consequence: synonymous variant.
Genome position (GRCh38, 1-based): chr5:127,445,533, C>T. VCF-style: chr5-127445533-C-T. GRCh37 (hg19) VCF-style: chr5-126781225-C-T.
Other names: c.2568C>T, p.Ile856= (NM_032446.3).
Identifiers: ClinVar variation 668358 (VCV000668358.9), dbSNP rs778716392, ClinGen allele CA3391971.